The following is an entry in ClinVar:

NM_000452.3(SLC10A2):c.53C>T (p.Ser18Phe)

Gene: SLC10A2 (solute carrier family 10 member 2; minus strand). Cytogenetic location: 13q33.1.
Variant type: single nucleotide variant.
Coding change: c.53C>T on transcript NM_000452.3 (MANE Select); coding-DNA position 53, C replaced by T.
Protein change: p.Ser18Phe; replaces serine 18 with phenylalanine.
Molecular consequence: missense variant.
Genome position (GRCh38, 1-based): chr13:103,066,197, G>A on the plus strand (C>T on the coding strand, the complement: SLC10A2 is on the minus strand). VCF-style: chr13-103066197-G-A. GRCh37 (hg19) VCF-style: chr13-103718547-G-A.
Other names: short protein forms S18F.
Identifiers: ClinVar variation 596909 (VCV000596909.7), dbSNP rs770829839, ClinGen allele CA388609595.

ClinVar aggregate classification (germline): Uncertain significance. Review status: criteria provided, multiple submitters, no conflicts (2 of 4 stars). 2 submissions from 2 submitters: Uncertain significance (2). Last evaluated 2025-12-19.

Allele frequency attached by ClinVar (database versions not stated): gnomAD 0.00001; TOPMed 0.00002.
gnomAD v4.1: 7 of 1,613,948 alleles (0.00043%); highest among the groups gnomAD compares: African/African-American, 0.004%; no homozygotes.

Submissions (2):

Labcorp Genetics (formerly Invitae), Labcorp
Classification: Uncertain significance. Last evaluated: 2025-12-19. Review status: criteria provided, single submitter. Criteria: Invitae Variant Classification Sherloc (09022015). Collection method: clinical testing. Allele origin: germline.
Comment: This sequence change replaces serine, which is neutral and polar, with phenylalanine, which is neutral and non-polar, at codon 18 of the SLC10A2 protein (p.Ser18Phe). This variant is present in population databases (no rsID available, gnomAD 0.008%). This variant has not been reported in the literature in individuals affected with SLC10A2-related conditions. ClinVar contains an entry for this variant (Variation ID: 596909). An algorithm developed to predict the effect of missense changes on protein structure and function (PolyPhen-2) suggests that this variant is likely to be disruptive. In summary, the available evidence is currently insufficient to determine the role of this variant in disease. Therefore, it has been classified as a Variant of Uncertain Significance.

Eurofins Ntd Llc (ga)
Classification: Uncertain significance. Last evaluated: 2018-04-20. Review status: criteria provided, single submitter. Criteria: EGL ClinVar v180209 classification definitions. Collection method: clinical testing. Allele origin: germline. Observed: 1 variant allele, 1 heterozygote.